The following is an entry in ClinVar:

NM_001039348.3(EFEMP1):c.389T>C (p.Met130Thr)

Gene: EFEMP1 (EGF-like fibulin extracellular matrix protein 1; minus strand). Cytogenetic location: 2p16.1.
Variant type: single nucleotide variant.
Coding change: c.389T>C on transcript NM_001039348.3 (MANE Select); coding-DNA position 389, T replaced by C.
Protein change: p.Met130Thr; replaces methionine 130 with threonine.
Molecular consequence: missense variant.
Genome position (GRCh38, 1-based): chr2:55,917,793, A>G on the plus strand (T>C on the coding strand, the complement: EFEMP1 is on the minus strand). VCF-style: chr2-55917793-A-G. GRCh37 (hg19) VCF-style: chr2-56144928-A-G.
Other names: c.389T>C, p.Met130Thr (NM_001039349.3); short protein forms M130T.
Identifiers: ClinVar variation 1042759 (VCV001042759.9), dbSNP rs1670759235, ClinGen allele CA347026566.

ClinVar aggregate classification (germline): Uncertain significance. Review status: criteria provided, multiple submitters, no conflicts (2 of 4 stars). 2 submissions from 2 submitters: Uncertain significance (2). Last evaluated 2022-01-06.

Conditions:
Glaucoma 1, open angle, H. Also called: GLC1H. Identifiers: MedGen C1969811, OMIM 611276, MONDO:0012646.
Cutis laxa, autosomal recessive, type 1d. Identifiers: MedGen C5935602, MONDO:0958335, OMIM 620780.
Doyne honeycomb retinal dystrophy (DHRD). Also called: DOYNE HONEYCOMB DEGENERATION OF RETINA; MALATTIA LEVENTINESE; DRUSEN, RADIAL, AUTOSOMAL DOMINANT. Identifiers: Orphanet 75376, MedGen C1832174, MONDO:0007471, OMIM 126600.

Submissions (2):

Labcorp Genetics (formerly Invitae), Labcorp
Classification: Uncertain significance. Last evaluated: 2022-01-06. Review status: criteria provided, single submitter. Criteria: Invitae Variant Classification Sherloc (09022015). Collection method: clinical testing. Allele origin: germline.
Comment: In summary, the available evidence is currently insufficient to determine the role of this variant in disease. Therefore, it has been classified as a Variant of Uncertain Significance. Algorithms developed to predict the effect of missense changes on protein structure and function are either unavailable or do not agree on the potential impact of this missense change (SIFT: "Deleterious"; PolyPhen-2: "Benign"; Align-GVGD: "Class C0"). ClinVar contains an entry for this variant (Variation ID: 1042759). This variant has not been reported in the literature in individuals affected with EFEMP1-related conditions. This variant is not present in population databases (gnomAD no frequency). This sequence change replaces methionine, which is neutral and non-polar, with threonine, which is neutral and polar, at codon 130 of the EFEMP1 protein (p.Met130Thr).

Department of Pathology and Laboratory Medicine, Sinai Health System
Classification: Uncertain significance for Doyne honeycomb retinal dystrophy; Glaucoma 1, open angle, H; Cutis laxa, autosomal recessive, type 1d. Last evaluated: 2021-11-01. Review status: criteria provided, single submitter. Criteria: ACMG Guidelines, 2015. Collection method: research. Allele origin: germline.